The following is an entry in ClinVar:

NM_001388453.1(QRICH2):c.3419A>G (p.His1140Arg)

Gene: QRICH2 (glutamine rich 2; minus strand). Cytogenetic location: 17q25.1.
Variant type: single nucleotide variant.
Coding change: c.3419A>G on transcript NM_001388453.1 (MANE Select); coding-DNA position 3419, A replaced by G.
Protein change: p.His1140Arg; replaces histidine 1140 with arginine.
Molecular consequence: missense variant.
Genome position (GRCh38, 1-based): chr17:76,291,308, T>C on the plus strand (A>G on the coding strand, the complement: QRICH2 is on the minus strand). VCF-style: chr17-76291308-T-C. GRCh37 (hg19) VCF-style: chr17-74287389-T-C.
Other names: c.3419A>G, p.His1140Arg (NM_032134.3); short protein forms H1140R.
Identifiers: ClinVar variation 3060994 (VCV003060994.2), dbSNP rs2279053, ClinGen allele CA8783847.

ClinVar aggregate classification (germline): Benign (0 of 4 stars; one submission).

Conditions:
QRICH2-related disorder. Also called: QRICH2-related condition.

Allele frequency attached by ClinVar (database versions not stated): gnomAD exomes 0.30898; ExAC 0.34829; gnomAD 0.40533; ESP Exome Variant Server 0.41596; TOPMed 0.42319; 1000 Genomes Project 0.46925; 1000 Genomes Project 30x 0.47064.
gnomAD v4.1: 514,672 of 1,613,880 alleles (32%); highest among the groups gnomAD compares: African/African-American, 66%; 89,781 homozygotes.

Submission:

PreventionGenetics, part of Exact Sciences
Classification: Benign for QRICH2-related condition. Last evaluated: 2019-10-18. Review status: no assertion criteria provided. Collection method: clinical testing. Allele origin: germline.
Comment: This variant is classified as benign based on ACMG/AMP sequence variant interpretation guidelines (Richards et al. 2015 PMID: 25741868, with internal and published modifications).